The following is an entry in ClinVar:

ClinVar aggregate classification (germline): Likely benign (1 of 4 stars; one submission).

Allele frequency attached by ClinVar (database versions not stated): 1000 Genomes Project 30x 0.00062.

Submission:

CeGaT Center for Human Genetics Tuebingen
Classification: Likely benign. Last evaluated: 2022-10-01. Review status: criteria provided, single submitter. Criteria: CeGaT Center For Human Genetics Tuebingen Variant Classification Criteria Version 2. Collection method: clinical testing. Allele origin: germline. Affected: yes. Observed: 1 variant allele.
Comment: DTX2: BP4, BP7

NM_001102594.3(DTX2):c.1626C>T (p.Asn542=)

Gene: DTX2 (deltex E3 ubiquitin ligase 2; plus strand). Cytogenetic location: 7q11.23.
Variant type: single nucleotide variant.
Coding change: c.1626C>T on transcript NM_001102594.3 (MANE Select); coding-DNA position 1626, C replaced by T.
Protein change: p.Asn542=; no amino-acid change (asparagine 542 retained).
Molecular consequence: synonymous variant.
Genome position (GRCh38, 1-based): chr7:76,504,430, C>T. VCF-style: chr7-76504430-C-T. GRCh37 (hg19) VCF-style: chr7-76133747-C-T.
Other names: c.1626C>T, p.Asn542= (NM_001102595.3, NM_020892.4); c.1485C>T, p.Asn495= (NM_001102596.2).
Identifiers: ClinVar variation 2657628 (VCV002657628.24), dbSNP rs1041875636, ClinGen allele CA456095951.
Genomic context (GRCh38, chr7:76,504,430, plus strand): 5'-CAATCCCGGAAAGCCGTTCACTGCCAGAGGGTTTCCCCGCCAGTGCTACCTTCCAGACAA[C>T]GCCCAGGGCCGCAAGGTGAGTGCCACCATGCGCCCGGGGGGTGGACGGGGCCCTGACCAG-3'
Protein context (NP_001096064.1, residues 532-552): GFPRQCYLPD[Asn542=]AQGRKVLELL